The following is an entry in ClinVar:

ClinVar aggregate classification (germline): Uncertain significance. Review status: criteria provided, single submitter (1 of 4 stars). 2 submissions from 2 submitters: Uncertain significance (1). 1 of the submissions does not count toward it. Last evaluated 2022-06-27.

Conditions:
Duchenne muscular dystrophy (DMD). Also called: MUSCULAR DYSTROPHY, PSEUDOHYPERTROPHIC PROGRESSIVE, DUCHENNE TYPE; Duchenne Muscular Dystrophy (DMD). Identifiers: Orphanet 98896, MedGen C0013264, MONDO:0010679, OMIM 310200.
Dystrophin deficiency.
Becker muscular dystrophy (BMD). Also called: MUSCULAR DYSTROPHY, PSEUDOHYPERTROPHIC PROGRESSIVE, BECKER TYPE; Becker Muscular Dystrophy (BMD). Identifiers: Orphanet 98895, MedGen C0917713, MONDO:0010311, OMIM 300376.
Cardiomyopathy (CMYO). Also called: Cardiomyopathies. Identifiers: Orphanet 167848, MedGen C0878544, MONDO:0004994, HP:0001638. Inheritance: Various modes of inheritance.

gnomAD v4.1: 5 of 1,211,389 alleles (0.00041%); highest among the groups gnomAD compares: Middle Eastern, 0.023%; no homozygotes.

Submissions (2):

Labcorp Genetics (formerly Invitae), Labcorp
Classification: Uncertain significance for Duchenne muscular dystrophy. Last evaluated: 2022-06-27. Review status: criteria provided, single submitter. Criteria: Invitae Variant Classification Sherloc (09022015). Collection method: clinical testing. Allele origin: germline.
Comment: ClinVar contains an entry for this variant (Variation ID: 1008360). This missense change has been observed in individual(s) with congenital myopathy (PMID: 31127727). This variant is not present in population databases (gnomAD no frequency). This sequence change replaces arginine, which is basic and polar, with leucine, which is neutral and non-polar, at codon 3000 of the DMD protein (p.Arg3000Leu). Algorithms developed to predict the effect of missense changes on protein structure and function (SIFT, PolyPhen-2, Align-GVGD) all suggest that this variant is likely to be tolerated. In summary, the available evidence is currently insufficient to determine the role of this variant in disease. Therefore, it has been classified as a Variant of Uncertain Significance.

Natera, Inc.
Classification: Uncertain significance for Becker muscular dystrophy; Cardiomyopathy; Duchenne muscular dystrophy; Dystrophin deficiency. Last evaluated: 2020-07-17. Review status: no assertion criteria provided. Collection method: clinical testing. Allele origin: germline. Not counted in ClinVar's aggregate classification.

Literature cited by the submitters: PubMed 31127727 (cited by Labcorp Genetics (formerly Invitae), Labcorp).

NM_004006.3(DMD):c.8999G>T (p.Arg3000Leu)

Gene: DMD (dystrophin; minus strand). Cytogenetic location: Xp21.2.
Variant type: single nucleotide variant.
Coding change: c.8999G>T on transcript NM_004006.3 (MANE Select); coding-DNA position 8999, G replaced by T.
Protein change: p.Arg3000Leu; replaces arginine 3000 with leucine.
Molecular consequence: missense variant.
Genome position (GRCh38, 1-based): chrX:31,444,566, C>A on the plus strand (G>T on the coding strand, the complement: DMD is on the minus strand). VCF-style: chrX-31444566-C-A. GRCh37 (hg19) VCF-style: chrX-31462683-C-A.
Other names: c.8975G>T, p.Arg2992Leu (NM_000109.4); c.8987G>T, p.Arg2996Leu (NM_004009.3); c.8630G>T, p.Arg2877Leu (NM_004010.3); c.4976G>T, p.Arg1659Leu (NM_004011.4); c.4967G>T, p.Arg1656Leu (NM_004012.4); c.1619G>T, p.Arg540Leu (NM_004013.3, NM_004020.4, NM_004021.3 and 2 more transcripts); c.812G>T, p.Arg271Leu (NM_004014.3); short protein forms R1656L, R1659L, R271L, R2877L, R2992L, R2996L, R3000L, R540L.
Identifiers: ClinVar variation 1008360 (VCV001008360.8), dbSNP rs772695216, ClinGen allele CA412655207.